The following is an entry in ClinVar:

ClinVar aggregate classification (germline): Uncertain significance (1 of 4 stars; one submission).

Conditions:
Hypertrophic cardiomyopathy. Also called: HYPERTROPHIC MYOCARDIOPATHY. Identifiers: Orphanet 217569, MedGen C0007194, MeSH D002312, MONDO:0005045, HP:0001639.

Submission:

All of Us Research Program, National Institutes of Health
Classification: Uncertain significance for Hypertrophic cardiomyopathy. Last evaluated: 2023-12-13. Review status: criteria provided, single submitter. Criteria: ACMG Guidelines, 2015. Collection method: clinical testing. Allele origin: germline. Inheritance: Autosomal dominant inheritance. Observed: 1 variant allele, 1 heterozygote.
Comment: This variant deletes 1 nucleotide in exon 4 of the MYL3 gene, creating a frameshift and premature translation stop signal. This variant is expected to result in an absent or non-functional protein product. To our knowledge, this variant has not been reported in individuals affected with MYL3-related disorders in the literature. This variant has not been identified in the general population by the Genome Aggregation Database (gnomAD). Clinical relevance of loss-of-function MYL3 truncation variants in autosomal dominant cardiovascular disorders is not clearly established. The available evidence is insufficient to determine the role of this variant in disease conclusively. Therefore, this variant is classified as a Variant of Uncertain Significance.

This study involves interpretation of variants in research participants for the purpose of population health screening. Participant phenotype was not available at the time of variant classification. Additional details can be found in publication PMID: 35346344, PMCID: PMC8962531

NM_000258.3(MYL3):c.318del (p.Lys107fs)

Gene: MYL3 (myosin light chain 3; minus strand). Cytogenetic location: 3p21.31.
Variant type: Deletion.
Coding change: c.318del on transcript NM_000258.3 (MANE Select); coding-DNA position 318, one base deleted (C; older notation c.318delC).
Protein change: p.Lys107fs; shifts the reading frame from lysine 107.
Molecular consequence: frameshift variant.
Genome position (GRCh38, 1-based): chr3:46,859,638, G deleted on the plus strand (C on the coding strand, the reverse complement: MYL3 is on the minus strand); the first of 2 consecutive G bases (chr3:46,859,638-46,859,639); deleting either gives the same sequence. VCF-style (leftmost placement, unchanged base first): chr3-46859637-TG-T. GRCh37 (hg19) VCF-style: chr3-46901127-TG-T.
Other names: c.318del, p.Lys107fs (NM_001406937.1, NM_001406938.1, NM_001406939.1); c.144del, p.Lys49fs (NM_001406940.1, NM_001406941.1); short protein forms K107fs, K49fs.
Identifiers: ClinVar variation 3074917 (VCV003074917.1), dbSNP rs2106907857, ClinGen allele CA2825001247.